The following is an entry in ClinVar:

ClinVar aggregate classification (germline): Uncertain significance (1 of 4 stars; one submission).

Conditions:
Cardiovascular phenotype. Identifiers: MedGen CN230736.

gnomAD v4.1: 1 of 1,581,036 alleles (0.000063%); highest among the groups gnomAD compares: Non-Finnish European, 0.000085%; no homozygotes.

Submission:

Ambry Genetics
Classification: Uncertain significance for Cardiovascular phenotype. Last evaluated: 2021-08-31. Review status: criteria provided, single submitter. Criteria: Ambry Variant Classification Scheme 2023. Collection method: clinical testing. Allele origin: germline.
Comment: The p.R556W variant (also known as c.1666C>T), located in coding exon 4 of the JPH2 gene, results from a C to T substitution at nucleotide position 1666. The arginine at codon 556 is replaced by tryptophan, an amino acid with dissimilar properties. This amino acid position is conserved. In addition, this alteration is predicted to be tolerated by in silico analysis. Since supporting evidence is limited at this time, the clinical significance of this alteration remains unclear.

NM_020433.5(JPH2):c.1666C>T (p.Arg556Trp)

Gene: JPH2 (junctophilin 2; minus strand). Cytogenetic location: 20q13.12.
Variant type: single nucleotide variant.
Coding change: c.1666C>T on transcript NM_020433.5 (MANE Select); coding-DNA position 1666, C replaced by T.
Protein change: p.Arg556Trp; replaces arginine 556 with tryptophan.
Molecular consequence: missense variant.
Genome position (GRCh38, 1-based): chr20:44,116,009, G>A on the plus strand (C>T on the coding strand, the complement: JPH2 is on the minus strand). VCF-style: chr20-44116009-G-A. GRCh37 (hg19) VCF-style: chr20-42744649-G-A.
Other names: short protein forms R556W.
Identifiers: ClinVar variation 1777576 (VCV001777576.2), dbSNP rs1339089624, ClinGen allele CA409100175.